The following is an entry in ClinVar:

NM_024675.4(PALB2):c.843_845del (p.Arg282del)

Gene: PALB2 (partner and localizer of BRCA2; minus strand). Cytogenetic location: 16p12.2.
Variant type: Deletion.
Coding change: c.843_845del on transcript NM_024675.4 (MANE Select); coding-DNA positions 843 to 845, 3 bases deleted (TAG; older notation c.843_845delTAG).
Protein change: p.Arg282del; deletes arginine 282.
Molecular consequence: inframe deletion.
Genome position (GRCh38, 1-based): chr16:23,635,701-23,635,703, CTA deleted on the plus strand (TAG on the coding strand, the reverse complement: PALB2 is on the minus strand). VCF-style (leftmost placement, unchanged base first): chr16-23635700-TCTA-T. GRCh37 (hg19) VCF-style: chr16-23647021-TCTA-T.
Other names: c.843_845delTAG (NM_024675.3); short protein forms R282del.
Identifiers: ClinVar variation 186823 (VCV000186823.22), dbSNP rs786203247, ClinGen allele CA195971.
Genomic context (GRCh38, chr16:23,635,700, plus strand): 5'-GTTATCTGTAGAGACAGTCATTTTTTTGCCTTGTGCCTCCAAACTTACAGGTGAAGTAAA[TCTA>T]ATGTTTTTTAGGTCGTGAGTAGTAAGTTCACTGCTACCTTTAGGAGGAATGTGTTCAAGG-3'

ClinVar aggregate classification (germline): Uncertain significance. Review status: criteria provided, multiple submitters, no conflicts (2 of 4 stars). 6 submissions from 6 submitters: Uncertain significance (5). 1 of the submissions does not count toward it. Last evaluated 2025-08-28.

Conditions:
Hereditary cancer-predisposing syndrome. Also called: Neoplastic Syndromes, Hereditary; Tumor predisposition; Hereditary Cancer Syndrome; Hereditary neoplastic syndrome. Identifiers: Orphanet 140162, MedGen C0027672, MeSH D009386, MONDO:0015356.
Familial cancer of breast. Also called: BREAST CANCER, FAMILIAL; Hereditary breast cancer; hereditary breast carcinoma. Identifiers: Orphanet 227535, MedGen C0346153, MONDO:0016419, OMIM 114480. Disease mechanism: loss of function.

Allele frequency attached by ClinVar (database versions not stated): gnomAD exomes below 0.00001.

Submissions (6):

Labcorp Genetics (formerly Invitae), Labcorp
Classification: Uncertain significance for Familial cancer of breast. Last evaluated: 2025-08-28. Review status: criteria provided, single submitter. Criteria: Invitae Variant Classification Sherloc (09022015). Collection method: clinical testing. Allele origin: germline.
Comment: This variant, c.843_845del, results in the deletion of 1 amino acid(s) of the PALB2 protein (p.Arg282del), but otherwise preserves the integrity of the reading frame. This variant is not present in population databases (gnomAD no frequency). This variant has been observed in individual(s) with prostate cancer (PMID: 32268276). ClinVar contains an entry for this variant (Variation ID: 186823). Experimental studies and prediction algorithms are not available or were not evaluated, and the functional significance of this variant is currently unknown. In summary, the available evidence is currently insufficient to determine the role of this variant in disease. Therefore, it has been classified as a Variant of Uncertain Significance.

Ambry Genetics
Classification: Uncertain significance for Hereditary cancer-predisposing syndrome. Last evaluated: 2024-09-30. Review status: criteria provided, single submitter. Criteria: Ambry Variant Classification Scheme 2023. Collection method: clinical testing. Allele origin: germline.
Comment: The c.843_845delTAG variant (also known as p.R282del) is located in coding exon 4 of the PALB2 gene. This variant results from an in-frame TAG deletion at nucleotide positions 843 to 845. This results in the in-frame deletion of an arginine at codon 282. The deleted amino acid position is poorly conserved in available vertebrate species. In addition, the in silico prediction for this alteration is inconclusive (Choi Y et al. PLoS ONE. 2012; 7(10):e46688). Based on the available evidence, the clinical significance of this variant remains unclear.

Myriad Genetics, Inc.
Classification: Uncertain significance for Familial cancer of breast. Last evaluated: 2023-03-30. Review status: criteria provided, single submitter. Criteria: Myriad Autosomal Dominant, Autosomal Recessive and X-Linked Classification Criteria (2023). Collection method: clinical testing. Allele origin: unknown.
Comment: This variant is classified as a variant of uncertain significance as there is insufficient evidence to determine its impact on protein function and/or cancer risk.

Color Diagnostics, LLC DBA Color Health
Classification: Uncertain significance for Hereditary cancer-predisposing syndrome. Last evaluated: 2022-03-08. Review status: criteria provided, single submitter. Criteria: ACMG Guidelines, 2015. Collection method: clinical testing. Allele origin: germline.
Comment: This variant causes the in-frame deletion of Arginine 282 in the PALB2 protein. To our knowledge, functional studies have not been reported for this variant. This variant has been reported in an individual affected with prostate cancer (PMID: 32268276). This variant has not been identified in the general population by the Genome Aggregation Database (gnomAD). The available evidence is insufficient to determine the role of this variant in disease conclusively. Therefore, this variant is classified as a Variant of Uncertain Significance.

Institute for Clinical Genetics, University Hospital TU Dresden, University Hospital TU Dresden
Classification: Uncertain significance. Last evaluated: 2021-11-03. Review status: criteria provided, single submitter. Criteria: ACMG Guidelines, 2015. Collection method: clinical testing. Allele origin: germline.

Counsyl
Classification: Uncertain significance for Familial cancer of breast. Last evaluated: 2017-05-15. Review status: no assertion criteria provided. Collection method: clinical testing. Allele origin: unknown. Not counted in ClinVar's aggregate classification.

Literature cited by the submitters: PubMed 32268276 (cited by Labcorp Genetics (formerly Invitae), Labcorp and Color Diagnostics, LLC DBA Color Health).